The following is an entry in ClinVar:

NM_015378.4(VPS13D):c.477T>A (p.Phe159Leu)

Gene: VPS13D (vacuolar protein sorting 13 homolog D; plus strand). Cytogenetic location: 1p36.22.
Variant type: single nucleotide variant.
Coding change: c.477T>A on transcript NM_015378.4 (MANE Select); coding-DNA position 477, T replaced by A.
Protein change: p.Phe159Leu; replaces phenylalanine 159 with leucine.
Molecular consequence: missense variant.
Genome position (GRCh38, 1-based): chr1:12,249,252, T>A. VCF-style: chr1-12249252-T-A. GRCh37 (hg19) VCF-style: chr1-12309309-T-A.
Other names: c.477T>A, p.Phe159Leu (NM_018156.4); c.477T>A (NM_015378.2); short protein forms F159L.
Identifiers: ClinVar variation 1308272 (VCV001308272.6), dbSNP rs200718311, ClinGen allele CA601231.

ClinVar aggregate classification (germline): Uncertain significance. Review status: criteria provided, multiple submitters, no conflicts (2 of 4 stars). 3 submissions from 3 submitters: Uncertain significance (3). Last evaluated 2025-09-26.

Conditions:
Inborn genetic diseases. Identifiers: MedGen C0950123, MeSH D030342.

Allele frequency attached by ClinVar (database versions not stated): gnomAD exomes 0.00001 and 0.00004; ExAC 0.00002; gnomAD 0.00003 and 0.00004; TOPMed 0.00004.
gnomAD v4.1: 61 of 1,613,674 alleles (0.0038%); highest among the groups gnomAD compares: Middle Eastern, 0.016%; no homozygotes.

Submissions (3):

Ambry Genetics
Classification: Uncertain significance for Inborn genetic diseases. Last evaluated: 2025-09-26. Review status: criteria provided, single submitter. Criteria: Ambry Variant Classification Scheme 2023. Collection method: clinical testing. Allele origin: germline.

Labcorp Genetics (formerly Invitae), Labcorp
Classification: Uncertain significance. Last evaluated: 2024-10-12. Review status: criteria provided, single submitter. Criteria: Invitae Variant Classification Sherloc (09022015). Collection method: clinical testing. Allele origin: germline.
Comment: This sequence change replaces phenylalanine, which is neutral and non-polar, with leucine, which is neutral and non-polar, at codon 159 of the VPS13D protein (p.Phe159Leu). This variant is present in population databases (rs200718311, gnomAD 0.008%). This variant has not been reported in the literature in individuals affected with VPS13D-related conditions. ClinVar contains an entry for this variant (Variation ID: 1308272). Invitae Evidence Modeling of protein sequence and biophysical properties (such as structural, functional, and spatial information, amino acid conservation, physicochemical variation, residue mobility, and thermodynamic stability) indicates that this missense variant is expected to disrupt VPS13D protein function with a positive predictive value of 80%. In summary, the available evidence is currently insufficient to determine the role of this variant in disease. Therefore, it has been classified as a Variant of Uncertain Significance.

GeneDx
Classification: Uncertain significance. Last evaluated: 2023-07-27. Review status: criteria provided, single submitter. Criteria: GeneDx Variant Classification Process June 2021. Collection method: clinical testing. Allele origin: germline. Affected: yes.
Comment: In silico analysis supports that this missense variant has a deleterious effect on protein structure/function; Has not been previously published as pathogenic or benign to our knowledge